The following is an entry in ClinVar:

ClinVar aggregate classification (germline): Conflicting classifications of pathogenicity. Review status: criteria provided, conflicting classifications (1 of 4 stars). 4 submissions from 4 submitters: Uncertain significance (2); Likely benign (2). Last evaluated 2026-08-07.

Conditions:
MAP2K1-related disorder. Also called: MAP2K1-related disorders; MAP2K1-related condition.
Cardiovascular phenotype. Identifiers: MedGen CN230736.
RASopathy. Also called: rasopathies; Noonan spectrum disorder. Identifiers: Orphanet 536391, MedGen C5555857, MONDO:0021060.

Allele frequency attached by ClinVar (database versions not stated): TOPMed 0.00008; gnomAD 0.00009; gnomAD exomes 0.00006 and 0.00018; ExAC 0.00007.
gnomAD v4.1: 271 of 1,613,920 alleles (0.017%); highest among the groups gnomAD compares: Non-Finnish European, 0.022%; no homozygotes.

Submissions (4):

Ambry Genetics
Classification: Likely benign for Cardiovascular phenotype. Last evaluated: 2026-08-07. Review status: criteria provided, single submitter. Criteria: Ambry Variant Classification Scheme 2023. Collection method: clinical testing. Allele origin: germline.

Labcorp Genetics (formerly Invitae), Labcorp
Classification: Uncertain significance for RASopathy. Last evaluated: 2026-01-10. Review status: criteria provided, single submitter. Criteria: Invitae Variant Classification Sherloc (09022015). Collection method: clinical testing. Allele origin: germline.
Comment: This sequence change replaces alanine, which is neutral and non-polar, with threonine, which is neutral and polar, at codon 390 of the MAP2K1 protein (p.Ala390Thr). This variant is present in population databases (rs730880500, gnomAD 0.01%). This variant has not been reported in the literature in individuals affected with MAP2K1-related conditions. ClinVar contains an entry for this variant (Variation ID: 180900). Invitae Evidence Modeling of protein sequence and biophysical properties (such as structural, functional, and spatial information, amino acid conservation, physicochemical variation, residue mobility, and thermodynamic stability) indicates that this missense variant is not expected to disrupt MAP2K1 protein function with a negative predictive value of 95%. In summary, the available evidence is currently insufficient to determine the role of this variant in disease. Therefore, it has been classified as a Variant of Uncertain Significance.

PreventionGenetics, part of Exact Sciences
Classification: Uncertain significance for MAP2K1-related condition. Last evaluated: 2023-06-13. Review status: criteria provided, single submitter. Criteria: ACMG Guidelines, 2015. Collection method: clinical testing. Allele origin: germline.
Comment: The MAP2K1 c.1168G>A variant is predicted to result in the amino acid substitution p.Ala390Thr. To our knowledge, this variant has not been reported in the literature. This variant is reported in 0.014% of alleles in individuals of European (Non-Finnish) descent in gnomAD. At this time, the clinical significance of this variant is uncertain due to the absence of conclusive functional and genetic evidence.

GeneDx
Classification: Likely benign. Last evaluated: 2020-09-18. Review status: criteria provided, single submitter. Criteria: GeneDx Variant Classification Process June 2021. Collection method: clinical testing. Allele origin: germline. Affected: yes.
Comment: This variant is associated with the following publications: (PMID: 29340109)

NM_002755.4(MAP2K1):c.1168G>A (p.Ala390Thr)

Genes: MAP2K1 (mitogen-activated protein kinase kinase 1; plus strand), SNAPC5 (small nuclear RNA activating complex polypeptide 5; minus strand). Cytogenetic location: 15q22.31.
Variant type: single nucleotide variant.
Coding change: c.1168G>A on transcript NM_002755.4 (MANE Select); coding-DNA position 1168, G replaced by A.
Protein change: p.Ala390Thr; replaces alanine 390 with threonine.
Molecular consequence: missense variant. On other transcripts: 3 prime UTR variant (1), non-coding transcript variant (1).
Genome position (GRCh38, 1-based): chr15:66,490,601, G>A. VCF-style: chr15-66490601-G-A. GRCh37 (hg19) VCF-style: chr15-66782939-G-A.
Other names: p.A390T:GCT>ACT; c.*138C>T (NM_006049.4); c.1024G>A, p.Ala342Thr (NM_001411065.1); short protein forms A390T, A342T.
Identifiers: ClinVar variation 180900 (VCV000180900.16), dbSNP rs730880500, ClinGen allele CA296103.
Genomic context (GRCh38, chr15:66,490,601, plus strand): 5'-GATTTTGCAGGTTGGCTCTGCTCCACCATCGGCCTTAACCAGCCCAGCACACCAACCCAT[G>A]CTGCTGGCGTCTAAGTGTTTGGGAAGCAACAAAGAGCGAGTCCCCTGCCCGGTGGTTTGC-3'
Protein context (NP_002746.1, residues 380-393): GLNQPSTPTH[Ala390Thr]AGV